The following is an entry in ClinVar:

NM_004168.4(SDHA):c.1119A>C (p.Pro373=)

Gene: SDHA (succinate dehydrogenase complex flavoprotein subunit A; plus strand). Cytogenetic location: 5p15.33.
Variant type: single nucleotide variant.
Coding change: c.1119A>C on transcript NM_004168.4 (MANE Select); coding-DNA position 1119, A replaced by C.
Protein change: p.Pro373=; no amino-acid change (proline 373 retained).
Molecular consequence: synonymous variant.
Genome position (GRCh38, 1-based): chr5:235,198, A>C. VCF-style: chr5-235198-A-C. GRCh37 (hg19) VCF-style: chr5-235313-A-C.
Other names: c.975A>C, p.Pro325= (NM_001294332.2); c.1119A>C, p.Pro373= (NM_001330758.2).
Identifiers: ClinVar variation 702691 (VCV000702691.14), dbSNP rs1428505412, ClinGen allele CA442691953.

ClinVar aggregate classification (germline): Benign/Likely benign. Review status: criteria provided, multiple submitters, no conflicts (2 of 4 stars). 3 submissions from 3 submitters: Benign (1); Likely benign (2). Last evaluated 2025-10-21.

Conditions:
Hereditary cancer-predisposing syndrome. Also called: Tumor predisposition; Neoplastic Syndromes, Hereditary; Hereditary Cancer Syndrome; Hereditary neoplastic syndrome. Identifiers: Orphanet 140162, MedGen C0027672, MeSH D009386, MONDO:0015356.
Pheochromocytoma/paraganglioma syndrome 5. Also called: Paragangliomas 5; SDHA-Related Hereditary Paraganglioma-Pheochromocytoma Syndrome. Identifiers: Orphanet 29072, MedGen C3279992, MONDO:0013602, OMIM 614165.
Mitochondrial complex II deficiency, nuclear type 1. Also called: SUCCINATE CoQ REDUCTASE DEFICIENCY. Identifiers: Orphanet 3208, MedGen C5700310, MONDO:0100294, OMIM 252011.

Allele frequency attached by ClinVar (database versions not stated): TOPMed 0.00001.
gnomAD v4.1: 1 of 1,613,982 alleles (0.000062%); highest among the groups gnomAD compares: African/African-American, 0.0013%; no homozygotes.

Submissions (3):

Labcorp Genetics (formerly Invitae), Labcorp
Classification: Likely benign for Pheochromocytoma/paraganglioma syndrome 5; Mitochondrial complex II deficiency, nuclear type 1. Last evaluated: 2025-10-21. Review status: criteria provided, single submitter. Criteria: Invitae Variant Classification Sherloc (09022015). Collection method: clinical testing. Allele origin: germline.

Myriad Genetics, Inc.
Classification: Benign for Pheochromocytoma/paraganglioma syndrome 5. Last evaluated: 2025-03-07. Review status: criteria provided, single submitter. Criteria: Myriad Autosomal Dominant, Autosomal Recessive and X-Linked Classification Criteria (2023). Collection method: clinical testing. Allele origin: unknown.
Comment: This variant is considered benign. This variant is a silent/synonymous amino acid change and it is not expected to impact splicing.

Ambry Genetics
Classification: Likely benign for Hereditary cancer-predisposing syndrome. Last evaluated: 2019-11-20. Review status: criteria provided, single submitter. Criteria: Ambry Variant Classification Scheme 2023. Collection method: clinical testing. Allele origin: germline.